The following is an entry in ClinVar:

NM_002878.4(RAD51D):c.325C>T (p.Pro109Ser)

Genes: RAD51L3-RFFL (RAD51L3-RFFL readthrough; minus strand), RAD51D (RAD51 paralog D; minus strand). Cytogenetic location: 17q12.
Variant type: single nucleotide variant.
Coding change: c.325C>T on transcript NM_002878.4 (MANE Select); coding-DNA position 325, C replaced by T.
Protein change: p.Pro109Ser; replaces proline 109 with serine.
Molecular consequence: missense variant. On other transcripts: non-coding transcript variant (2), intron variant (1).
Genome position (GRCh38, 1-based): chr17:35,107,386, G>A on the plus strand (C>T on the coding strand, the complement: RAD51D is on the minus strand). VCF-style: chr17-35107386-G-A. GRCh37 (hg19) VCF-style: chr17-33434405-G-A.
Other names: c.385C>T, p.Pro129Ser (NM_001142571.2); c.145-905C>T (NM_133629.3); short protein forms P109S, P129S.
Identifiers: ClinVar variation 933166 (VCV000933166.10), dbSNP rs2091620469, ClinGen allele CA399089916.
Genomic context (GRCh38, chr17:35,107,386, plus strand): 5'-CTCACCCCTAAATCCTCCTGACTGCTGGCCTCACATGTACCTGAGTTTTGCCGCTACCTG[G>A]GCCTCCTACAATTTCAGTCACTTCTCCAGTATAGAGACCAGCATCAAGCAGTTTATCAAG-3'
Protein context (NP_002869.3, residues 99-119): TGEVTEIVGG[Pro109Ser]GSGKTQVCLC

ClinVar aggregate classification (germline): Uncertain significance. Review status: criteria provided, multiple submitters, no conflicts (2 of 4 stars). 4 submissions from 4 submitters: Uncertain significance (4). Last evaluated 2025-12-10.

Conditions:
Hereditary cancer-predisposing syndrome. Also called: Neoplastic Syndromes, Hereditary; Hereditary Cancer Syndrome; Hereditary neoplastic syndrome; Tumor predisposition. Identifiers: Orphanet 140162, MedGen C0027672, MeSH D009386, MONDO:0015356.
Breast-ovarian cancer, familial, susceptibility to, 4. Identifiers: Orphanet 145, MedGen C3280345, MONDO:0013669, OMIM 614291.

Submissions (4):

Labcorp Genetics (formerly Invitae), Labcorp
Classification: Uncertain significance for Breast-ovarian cancer, familial, susceptibility to, 4. Last evaluated: 2025-12-10. Review status: criteria provided, single submitter. Criteria: Invitae Variant Classification Sherloc (09022015). Collection method: clinical testing. Allele origin: germline.
Comment: This sequence change replaces proline, which is neutral and non-polar, with serine, which is neutral and polar, at codon 109 of the RAD51D protein (p.Pro109Ser). This variant is not present in population databases (gnomAD no frequency). This variant has not been reported in the literature in individuals affected with RAD51D-related conditions. ClinVar contains an entry for this variant (Variation ID: 933166). Invitae Evidence Modeling of protein sequence and biophysical properties (such as structural, functional, and spatial information, amino acid conservation, physicochemical variation, residue mobility, and thermodynamic stability) indicates that this missense variant is not expected to disrupt RAD51D protein function with a negative predictive value of 80%. In summary, the available evidence is currently insufficient to determine the role of this variant in disease. Therefore, it has been classified as a Variant of Uncertain Significance.

Center for Genomic Medicine, Rigshospitalet, Copenhagen University Hospital
Classification: Uncertain significance. Last evaluated: 2025-03-04. Review status: criteria provided, single submitter. Criteria: ACMG Guidelines, 2015. Collection method: clinical testing. Allele origin: germline.

Ambry Genetics
Classification: Uncertain significance for Hereditary cancer-predisposing syndrome. Last evaluated: 2024-11-17. Review status: criteria provided, single submitter. Criteria: Ambry Variant Classification Scheme 2023. Collection method: clinical testing. Allele origin: germline.
Comment: The p.P109S variant (also known as c.325C>T), located in coding exon 4 of the RAD51D gene, results from a C to T substitution at nucleotide position 325. The proline at codon 109 is replaced by serine, an amino acid with similar properties. This amino acid position is conserved. In addition, the in silico prediction for this alteration is inconclusive. Based on the available evidence, the clinical significance of this variant remains unclear.

Women's Health and Genetics/Laboratory Corporation of America, LabCorp
Classification: Uncertain significance. Last evaluated: 2020-06-01. Review status: criteria provided, single submitter. Criteria: LabCorp Variant Classification Summary - May 2015. Collection method: clinical testing. Allele origin: germline.
Comment: Variant summary: RAD51D c.325C>T (p.Pro109Ser) results in a non-conservative amino acid change located in the AAA + ATPase domain (IPR0003593) of the encoded protein sequence. Three of five in-silico tools predict a benign effect of the variant on protein function. The variant was absent in 251286 control chromosomes. The available data on variant occurrences in the general population are insufficient to allow any conclusion about variant significance. To our knowledge, no occurrence of c.325C>T in individuals affected with Hereditary Breast And Ovarian Cancer Syndrome and no experimental evidence demonstrating its impact on protein function have been reported. No clinical diagnostic laboratories have submitted clinical-significance assessments for this variant to ClinVar after 2014. Based on the evidence outlined above, the variant was classified as uncertain significance.